The following is an entry in ClinVar:

ClinVar aggregate classification (germline): Likely benign. Review status: criteria provided, multiple submitters, no conflicts (2 of 4 stars). 2 submissions from 2 submitters: Likely benign (2). Last evaluated 2024-12-26.

Conditions:
Charcot-Marie-Tooth disease axonal type 2O. Also called: CHARCOT-MARIE-TOOTH NEUROPATHY, AXONAL, TYPE 2O; CHARCOT-MARIE-TOOTH DISEASE, AXONAL, AUTOSOMAL DOMINANT, TYPE 2O; Charcot-Marie-Tooth Neuropathy Type 2O; Charcot-Marie-Tooth disease, axonal, type 20. Identifiers: Orphanet 284232, MedGen C3280220, MONDO:0013644, OMIM 614228.

Allele frequency attached by ClinVar (database versions not stated): gnomAD 0.00002.
gnomAD v4.1: 9 of 1,614,104 alleles (0.00056%); highest among the groups gnomAD compares: Admixed American, 0.013%; no homozygotes.

Submissions (2):

Labcorp Genetics (formerly Invitae), Labcorp
Classification: Likely benign for Charcot-Marie-Tooth disease axonal type 2O. Last evaluated: 2024-12-26. Review status: criteria provided, single submitter. Criteria: Invitae Variant Classification Sherloc (09022015). Collection method: clinical testing. Allele origin: germline.

GeneDx
Classification: Likely benign. Last evaluated: 2018-03-06. Review status: criteria provided, single submitter. Criteria: GeneDx Variant Classification (06012015). Collection method: clinical testing. Allele origin: germline. Affected: yes.
Comment: This variant is considered likely benign or benign based on one or more of the following criteria: it is a conservative change, it occurs at a poorly conserved position in the protein, it is predicted to be benign by multiple in silico algorithms, and/or has population frequency not consistent with disease.

NM_001376.5(DYNC1H1):c.5904C>T (p.Leu1968=)

Gene: DYNC1H1 (dynein cytoplasmic 1 heavy chain 1; plus strand). Cytogenetic location: 14q32.31.
Variant type: single nucleotide variant.
Coding change: c.5904C>T on transcript NM_001376.5 (MANE Select); coding-DNA position 5904, C replaced by T.
Protein change: p.Leu1968=; no amino-acid change (leucine 1968 retained).
Molecular consequence: synonymous variant.
Genome position (GRCh38, 1-based): chr14:102,008,264, C>T. VCF-style: chr14-102008264-C-T. GRCh37 (hg19) VCF-style: chr14-102474601-C-T.
Identifiers: ClinVar variation 515807 (VCV000515807.8), dbSNP rs770335425, ClinGen allele CA7352504.